The following is an entry in ClinVar:

ClinVar aggregate classification (germline): Uncertain significance (1 of 4 stars; one submission).

Submission:

GeneDx
Classification: Uncertain significance. Last evaluated: 2026-02-02. Review status: criteria provided, single submitter. Criteria: GeneDx Variant Classification Process June 2021. Collection method: clinical testing. Allele origin: germline.
Comment: Not observed at significant frequency in large population cohorts (gnomAD); In silico analysis suggests that this missense variant does not alter protein structure/function; Has not been previously published as pathogenic or benign to our knowledge.

NM_001015877.2(PHF6):c.419C>T (p.Ala140Val)

Gene: PHF6 (PHD finger protein 6; plus strand). Cytogenetic location: Xq26.2.
Variant type: single nucleotide variant.
Coding change: c.419C>T on transcript NM_001015877.2 (MANE Select); coding-DNA position 419, C replaced by T.
Protein change: p.Ala140Val; replaces alanine 140 with valine.
Molecular consequence: missense variant.
Genome position (GRCh38, 1-based): chrX:134,413,491, C>T. VCF-style: chrX-134413491-C-T. GRCh37 (hg19) VCF-style: chrX-133547521-C-T.
Other names: c.422C>T, p.Ala141Val (NM_032335.3); c.419C>T, p.Ala140Val (NM_032458.3); short protein forms A140V, A141V.
Identifiers: ClinVar variation 4975745 (VCV004975745.1).
Genomic context (GRCh38, chrX:134,413,491, plus strand): 5'-CATGAACTAATACTTATTTTGAGATTGGTCCATAAAAAGTTTTTGTTCATTTTTAAGCAG[C>T]TGATTTAGAAGAAAGTTTTAATGAACATGAACTGGAGCCCTCATCACCTAAAAGTAAAAA-3'
Protein context (NP_001015877.1, residues 130-150): KHKKTAHNSE[Ala140Val]DLEESFNEHE